The following is an entry in ClinVar:

ClinVar aggregate classification (germline): Uncertain significance (1 of 4 stars; one submission).

Submission:

GeneDx
Classification: Uncertain significance. Last evaluated: 2025-08-07. Review status: criteria provided, single submitter. Criteria: GeneDx Variant Classification Process June 2021. Collection method: clinical testing. Allele origin: germline. Affected: yes.
Comment: Not observed at significant frequency in large population cohorts (gnomAD); In silico analysis suggests that this missense variant does not alter protein structure/function; Has not been previously published as pathogenic or benign to our knowledge

NM_032436.4(CHAMP1):c.613C>A (p.Pro205Thr)

Gene: CHAMP1 (chromosome alignment maintaining phosphoprotein 1; plus strand). Cytogenetic location: 13q34.
Variant type: single nucleotide variant.
Coding change: c.613C>A on transcript NM_032436.4 (MANE Select); coding-DNA position 613, C replaced by A.
Protein change: p.Pro205Thr; replaces proline 205 with threonine.
Molecular consequence: missense variant.
Genome position (GRCh38, 1-based): chr13:114,324,455, C>A. VCF-style: chr13-114324455-C-A. GRCh37 (hg19) VCF-style: chr13-115089930-C-A.
Other names: c.613C>A, p.Pro205Thr (NM_001164144.3, NM_001164145.3); short protein forms P205T.
Identifiers: ClinVar variation 4756017 (VCV004756017.1).